The following is an entry in ClinVar:

NM_020872.3(CNTN3):c.561G>A (p.Glu187=)

Gene: CNTN3 (contactin 3; minus strand). Cytogenetic location: 3p12.3.
Variant type: single nucleotide variant.
Coding change: c.561G>A on transcript NM_020872.3 (MANE Select); coding-DNA position 561, G replaced by A.
Protein change: p.Glu187=; no amino-acid change (glutamic acid 187 retained).
Molecular consequence: synonymous variant.
Genome position (GRCh38, 1-based): chr3:74,371,293, C>T on the plus strand (G>A on the coding strand, the complement: CNTN3 is on the minus strand). VCF-style: chr3-74371293-C-T. GRCh37 (hg19) VCF-style: chr3-74420444-C-T.
Other names: c.561G>A, p.Glu187= (NM_001393376.1).
Identifiers: ClinVar variation 3040786 (VCV003040786.2), dbSNP rs140108637, ClinGen allele CA2495466.

ClinVar aggregate classification (germline): Likely benign (0 of 4 stars; one submission).

Conditions:
CNTN3-related disorder. Also called: CNTN3-related condition.

Allele frequency attached by ClinVar (database versions not stated): gnomAD exomes 0.00009; ExAC 0.00039; 1000 Genomes Project 30x 0.00062; 1000 Genomes Project 0.00080; gnomAD 0.00104; TOPMed 0.00117; ESP Exome Variant Server 0.00131.
gnomAD v4.1: 288 of 1,613,476 alleles (0.018%); highest among the groups gnomAD compares: African/African-American, 0.34%; 1 homozygote.

Submission:

PreventionGenetics, part of Exact Sciences
Classification: Likely benign for CNTN3-related condition. Last evaluated: 2019-02-18. Review status: no assertion criteria provided. Collection method: clinical testing. Allele origin: germline.
Comment: This variant is classified as likely benign based on ACMG/AMP sequence variant interpretation guidelines (Richards et al. 2015 PMID: 25741868, with internal and published modifications).